The following is an entry in ClinVar:

ClinVar aggregate classification (germline): Uncertain significance (1 of 4 stars; one submission).

gnomAD v4.1: 1 of 1,614,146 alleles (0.000062%); highest among the groups gnomAD compares: South Asian, 0.0011%; no homozygotes.

Submission:

Labcorp Genetics (formerly Invitae), Labcorp
Classification: Uncertain significance. Last evaluated: 2026-01-02. Review status: criteria provided, single submitter. Criteria: Invitae Variant Classification Sherloc (09022015). Collection method: clinical testing. Allele origin: germline.
Comment: This sequence change replaces glycine, which is neutral and non-polar, with serine, which is neutral and polar, at codon 1057 of the COL27A1 protein (p.Gly1057Ser). This variant is present in population databases (rs542176440, gnomAD 0.003%). This variant has not been reported in the literature in individuals affected with COL27A1-related conditions. Invitae Evidence Modeling of protein sequence and biophysical properties (such as structural, functional, and spatial information, amino acid conservation, physicochemical variation, residue mobility, and thermodynamic stability) indicates that this missense variant is expected to disrupt COL27A1 protein function with a positive predictive value of 80%. In summary, the available evidence is currently insufficient to determine the role of this variant in disease. Therefore, it has been classified as a Variant of Uncertain Significance.

NM_032888.4(COL27A1):c.3169G>A (p.Gly1057Ser)

Gene: COL27A1 (collagen type XXVII alpha 1 chain; plus strand). Cytogenetic location: 9q32.
Variant type: single nucleotide variant.
Coding change: c.3169G>A on transcript NM_032888.4 (MANE Select); coding-DNA position 3169, G replaced by A.
Protein change: p.Gly1057Ser; replaces glycine 1057 with serine.
Molecular consequence: missense variant.
Genome position (GRCh38, 1-based): chr9:114,258,568, G>A. VCF-style: chr9-114258568-G-A. GRCh37 (hg19) VCF-style: chr9-117020848-G-A.
Other names: short protein forms G1057S.
Identifiers: ClinVar variation 4773804 (VCV004773804.1).